The following is an entry in ClinVar:

NM_198578.4(LRRK2):c.6422C>G (p.Thr2141Arg)

Gene: LRRK2 (leucine rich repeat kinase 2; plus strand). Cytogenetic location: 12q12.
Variant type: single nucleotide variant.
Coding change: c.6422C>G on transcript NM_198578.4 (MANE Select); coding-DNA position 6422, C replaced by G.
Protein change: p.Thr2141Arg; replaces threonine 2141 with arginine.
Molecular consequence: missense variant.
Genome position (GRCh38, 1-based): chr12:40,351,579, C>G. VCF-style: chr12-40351579-C-G. GRCh37 (hg19) VCF-style: chr12-40745381-C-G.
Other names: short protein forms T2141R.
Identifiers: ClinVar variation 2567345 (VCV002567345.2), dbSNP rs111691891, ClinGen allele CA384406604.

ClinVar aggregate classification (germline): Uncertain significance (1 of 4 stars; one submission).

Conditions:
Inborn genetic diseases. Identifiers: MedGen C0950123, MeSH D030342.

Submission:

Ambry Genetics
Classification: Uncertain significance for Inborn genetic diseases. Last evaluated: 2023-04-03. Review status: criteria provided, single submitter. Criteria: Ambry Variant Classification Scheme 2023. Collection method: clinical testing. Allele origin: germline.
Comment: The p.T2141R variant (also known as c.6422C>G), located in coding exon 44 of the LRRK2 gene, results from a C to G substitution at nucleotide position 6422. The threonine at codon 2141 is replaced by arginine, an amino acid with similar properties. This amino acid position is conserved. In addition, this alteration is predicted to be tolerated by in silico analysis. Since supporting evidence is limited at this time, the clinical significance of this alteration remains unclear.